The following is an entry in ClinVar:

ClinVar aggregate classification (germline): Uncertain significance. Review status: criteria provided, multiple submitters, no conflicts (2 of 4 stars). 2 submissions from 2 submitters: Uncertain significance (2). Last evaluated 2023-08-29.

Conditions:
Inborn genetic diseases. Identifiers: MedGen C0950123, MeSH D030342.
Hyperkalemic periodic paralysis. Also called: Familial hyperkalemic periodic paralysis; Gamstorp disease. Identifiers: Orphanet 682, MedGen C0238357, MONDO:0008224, OMIM 170500, HP:0007215.

Allele frequency attached by ClinVar (database versions not stated): gnomAD exomes below 0.00001.
gnomAD v4.1: 1 of 1,613,128 alleles (0.000062%); highest among the groups gnomAD compares: South Asian, 0.0011%; no homozygotes.

Submissions (2):

Labcorp Genetics (formerly Invitae), Labcorp
Classification: Uncertain significance for Hyperkalemic periodic paralysis. Last evaluated: 2023-08-29. Review status: criteria provided, single submitter. Criteria: Invitae Variant Classification Sherloc (09022015). Collection method: clinical testing. Allele origin: germline.
Comment: In summary, the available evidence is currently insufficient to determine the role of this variant in disease. Therefore, it has been classified as a Variant of Uncertain Significance. Advanced modeling of protein sequence and biophysical properties (such as structural, functional, and spatial information, amino acid conservation, physicochemical variation, residue mobility, and thermodynamic stability) performed at Invitae indicates that this missense variant is not expected to disrupt SCN4A protein function. ClinVar contains an entry for this variant (Variation ID: 2549961). This variant has not been reported in the literature in individuals affected with SCN4A-related conditions. This variant is present in population databases (no rsID available, gnomAD 0.003%). This sequence change replaces threonine, which is neutral and polar, with isoleucine, which is neutral and non-polar, at codon 1063 of the SCN4A protein (p.Thr1063Ile).

Ambry Genetics
Classification: Uncertain significance for Inborn genetic diseases. Last evaluated: 2023-06-28. Review status: criteria provided, single submitter. Criteria: Ambry Variant Classification Scheme 2023. Collection method: clinical testing. Allele origin: germline.
Comment: The c.3188C>T (p.T1063I) alteration is located in exon 17 (coding exon 17) of the SCN4A gene. This alteration results from a C to T substitution at nucleotide position 3188, causing the threonine (T) at amino acid position 1063 to be replaced by an isoleucine (I). Based on data from gnomAD, the T allele has an overall frequency of <0.001% (1/248692) total alleles studied. The highest observed frequency was 0.003% (1/30568) of South Asian alleles. This amino acid position is well conserved in available vertebrate species. This alteration is predicted to be tolerated by in silico analysis. Based on insufficient or conflicting evidence, the clinical significance of this alteration remains unclear.

NM_000334.4(SCN4A):c.3188C>T (p.Thr1063Ile)

Genes: GH-LCR (growth hormone locus control region; plus strand), SCN4A (sodium voltage-gated channel alpha subunit 4; minus strand). Cytogenetic location: 17q23.3.
Variant type: single nucleotide variant.
Coding change: c.3188C>T on transcript NM_000334.4 (MANE Select); coding-DNA position 3188, C replaced by T.
Protein change: p.Thr1063Ile; replaces threonine 1063 with isoleucine.
Molecular consequence: missense variant.
Genome position (GRCh38, 1-based): chr17:63,948,020, G>A on the plus strand (C>T on the coding strand, the complement: SCN4A is on the minus strand). VCF-style: chr17-63948020-G-A. GRCh37 (hg19) VCF-style: chr17-62025380-G-A.
Other names: short protein forms T1063I.
Identifiers: ClinVar variation 2549961 (VCV002549961.6), dbSNP rs1333298605, ClinGen allele CA400621302.